The following is an entry in ClinVar:

ClinVar aggregate classification (germline): Uncertain significance (1 of 4 stars; one submission).

Conditions:
Norman-Roberts syndrome (LIS2). Also called: Lissencephaly 2 (Norman-Roberts type). Identifiers: Orphanet 89844, MedGen C0796089, MONDO:0009760, OMIM 257320.
Familial temporal lobe epilepsy 7. Identifiers: Orphanet 101046, MedGen C4225327, MONDO:0014639, OMIM 616436.

Allele frequency attached by ClinVar (database versions not stated): gnomAD exomes 0.00001 and 0.00003; ExAC 0.00002; gnomAD 0.00003 and 0.00004; TOPMed 0.00004.
gnomAD v4.1: 25 of 1,613,982 alleles (0.0015%); highest among the groups gnomAD compares: Middle Eastern, 0.016%; no homozygotes.

Submission:

Labcorp Genetics (formerly Invitae), Labcorp
Classification: Uncertain significance for Familial temporal lobe epilepsy 7; Norman-Roberts syndrome. Last evaluated: 2025-12-24. Review status: criteria provided, single submitter. Criteria: Invitae Variant Classification Sherloc (09022015). Collection method: clinical testing. Allele origin: germline.
Comment: This sequence change replaces glycine, which is neutral and non-polar, with serine, which is neutral and polar, at codon 2647 of the RELN protein (p.Gly2647Ser). This variant is present in population databases (rs781392761, gnomAD 0.007%). This variant has not been reported in the literature in individuals affected with RELN-related conditions. ClinVar contains an entry for this variant (Variation ID: 1046356). Invitae Evidence Modeling of protein sequence and biophysical properties (such as structural, functional, and spatial information, amino acid conservation, physicochemical variation, residue mobility, and thermodynamic stability) indicates that this missense variant is not expected to disrupt RELN protein function with a negative predictive value of 80%. In summary, the available evidence is currently insufficient to determine the role of this variant in disease. Therefore, it has been classified as a Variant of Uncertain Significance.

NM_005045.4(RELN):c.7939G>A (p.Gly2647Ser)

Gene: RELN (reelin; minus strand). Cytogenetic location: 7q22.1.
Variant type: single nucleotide variant.
Coding change: c.7939G>A on transcript NM_005045.4 (MANE Select); coding-DNA position 7939, G replaced by A.
Protein change: p.Gly2647Ser; replaces glycine 2647 with serine.
Molecular consequence: missense variant.
Genome position (GRCh38, 1-based): chr7:103,515,365, C>T on the plus strand (G>A on the coding strand, the complement: RELN is on the minus strand). VCF-style: chr7-103515365-C-T. GRCh37 (hg19) VCF-style: chr7-103155812-C-T.
Other names: c.7939G>A, p.Gly2647Ser (NM_173054.3); short protein forms G2647S.
Identifiers: ClinVar variation 1046356 (VCV001046356.8), dbSNP rs781392761, ClinGen allele CA4420603.